The following is an entry in ClinVar:

NM_001367624.2(ZNF469):c.9599G>A (p.Arg3200His)

Gene: ZNF469 (zinc finger protein 469; plus strand). Cytogenetic location: 16q24.2.
Variant type: single nucleotide variant.
Coding change: c.9599G>A on transcript NM_001367624.2 (MANE Select); coding-DNA position 9599, G replaced by A.
Protein change: p.Arg3200His; replaces arginine 3200 with histidine.
Molecular consequence: missense variant.
Genome position (GRCh38, 1-based): chr16:88,437,069, G>A. VCF-style: chr16-88437069-G-A. GRCh37 (hg19) VCF-style: chr16-88503477-G-A.
Other names: short protein forms R3200H.
Identifiers: ClinVar variation 3581329 (VCV003581329.3).

ClinVar aggregate classification (germline): Uncertain significance. Review status: criteria provided, multiple submitters, no conflicts (2 of 4 stars). 3 submissions from 3 submitters: Uncertain significance (3). Last evaluated 2026-01-09.

Conditions:
Brittle cornea syndrome 1 (BCS1). Also called: DYSGENESIS MESODERMALIS CORNEAE ET SCLERAE; CORNEAL FRAGILITY, KERATOGLOBUS, BLUE SCLERAE, JOINT HYPEREXTENSIBILITY; Corneal fragility keratoglobus, blue sclerae AND joint hypermobility; EDS6B; FRAGILITAS OCULI WITH JOINT HYPEREXTENSIBILITY. Identifiers: Orphanet 90354, MedGen C0268344, MONDO:0024543, OMIM 229200.

gnomAD v4.1: 13 of 1,540,818 alleles (0.00084%); highest among the groups gnomAD compares: Admixed American, 0.004%; 1 homozygote.

Submissions (3):

Women's Health and Genetics/Laboratory Corporation of America, LabCorp
Classification: Uncertain significance. Last evaluated: 2026-01-09. Review status: criteria provided, single submitter. Criteria: LabCorp Variant Classification Summary - May 2015. Collection method: clinical testing. Allele origin: germline.
Comment: Variant summary: ZNF469 c.9599G>A (p.Arg3200His) results in a non-conservative amino acid change in the encoded protein sequence. Algorithms developed to predict the effect of missense changes on protein structure and function are either unavailable or do not agree on the potential impact of this missense change. The variant was absent in 134046 control chromosomes. The available data on variant occurrences in the general population are insufficient to allow any conclusion about variant significance. To our knowledge, no occurrence of c.9599G>A in individuals affected with ZNF469-related conditions and no experimental evidence demonstrating its impact on protein function have been reported. ClinVar contains an entry for this variant (Variation ID: 3581329). Based on the evidence outlined above, the variant was classified as uncertain significance.

Labcorp Genetics (formerly Invitae), Labcorp
Classification: Uncertain significance. Last evaluated: 2024-09-09. Review status: criteria provided, single submitter. Criteria: Invitae Variant Classification Sherloc (09022015). Collection method: clinical testing. Allele origin: germline.
Comment: This sequence change replaces arginine, which is basic and polar, with histidine, which is basic and polar, at codon 3172 of the ZNF469 protein (p.Arg3172His). This variant is not present in population databases (gnomAD no frequency). This variant has not been reported in the literature in individuals affected with ZNF469-related conditions. An algorithm developed to predict the effect of missense changes on protein structure and function (PolyPhen-2) suggests that this variant is likely to be disruptive. In summary, the available evidence is currently insufficient to determine the role of this variant in disease. Therefore, it has been classified as a Variant of Uncertain Significance.

Fulgent Genetics
Classification: Uncertain significance for Brittle cornea syndrome 1. Last evaluated: 2024-01-19. Review status: criteria provided, single submitter. Criteria: ACMG Guidelines, 2015. Collection method: clinical testing. Allele origin: germline.